The following is an entry in ClinVar:

NM_001355436.2(SPTB):c.6396_6398dup (p.Gly2133_Gln2134insGly)

Gene: SPTB (spectrin beta, erythrocytic; minus strand). Cytogenetic location: 14q23.3.
Variant type: Duplication.
Coding change: c.6396_6398dup on transcript NM_001355436.2 (MANE Select); coding-DNA positions 6396 to 6398, 3 bases duplicated (GGG; older notation c.6396_6398dupGGG).
Protein change: p.Gly2133_Gln2134insGly.
Molecular consequence: inframe insertion.
Genome position (GRCh38, 1-based): chr14:64,753,741-64,753,743, CCC duplicated on the plus strand (GGG on the coding strand, the reverse complement: SPTB is on the minus strand). VCF-style (leftmost placement, unchanged base first): chr14-64753740-A-ACCC. GRCh37 (hg19) VCF-style: chr14-65220458-A-ACCC.
Other names: p.Gly2133dup; c.6396_6398dup, p.Gly2133_Gln2134insGly (NM_001024858.4).
Identifiers: ClinVar variation 1694101 (VCV001694101.10), dbSNP rs145280081, ClinGen allele CA7229573.

ClinVar aggregate classification (germline): Uncertain significance. Review status: criteria provided, multiple submitters, no conflicts (2 of 4 stars). 3 submissions from 3 submitters: Uncertain significance (3). Last evaluated 2026-01-01.

Allele frequency attached by ClinVar (database versions not stated): gnomAD exomes 0.00005 and 0.00018; ExAC 0.00018; gnomAD 0.00062 and 0.00064; ESP Exome Variant Server 0.00088.

Submissions (3):

CeGaT Center for Human Genetics Tuebingen
Classification: Uncertain significance. Last evaluated: 2026-01-01. Review status: criteria provided, single submitter. Criteria: CeGaT Center For Human Genetics Tuebingen Variant Classification Criteria Version 2. Collection method: clinical testing. Allele origin: germline. Affected: yes. Observed: 1 variant allele.
Comment: SPTB: PM4:Supporting

Revvity Omics, Revvity
Classification: Uncertain significance. Last evaluated: 2024-05-22. Review status: criteria provided, single submitter. Criteria: ACMG Guidelines, 2015. Collection method: clinical testing. Allele origin: germline.

Mayo Clinic Laboratories, Mayo Clinic
Classification: Uncertain significance. Last evaluated: 2022-09-26. Review status: criteria provided, single submitter. Criteria: ACMG Guidelines, 2015. Collection method: clinical testing. Allele origin: germline. Observed: 3 variant alleles.